The following is an entry in ClinVar:

NM_144973.4(DENND5B):c.91G>A (p.Asp31Asn)

Genes: DENND5B (DENN domain containing 5B; minus strand), DENND5B-AS1 (DENND5B antisense RNA 1; plus strand), LOC130007634 (ATAC-STARR-seq lymphoblastoid silent region 4324; plus strand). Cytogenetic location: 12p11.21.
Variant type: single nucleotide variant.
Coding change: c.91G>A on transcript NM_144973.4 (MANE Select); coding-DNA position 91, G replaced by A.
Protein change: p.Asp31Asn; replaces aspartic acid 31 with asparagine.
Molecular consequence: missense variant.
Genome position (GRCh38, 1-based): chr12:31,590,742, C>T on the plus strand (G>A on the coding strand, the complement: DENND5B is on the minus strand). VCF-style: chr12-31590742-C-T. GRCh37 (hg19) VCF-style: chr12-31743676-C-T.
Other names: c.91G>A, p.Asp31Asn (NM_001366890.1, NM_001366891.1, NM_001366892.1 and 1 more transcripts); short protein forms D31N.
Identifiers: ClinVar variation 5018384 (VCV005018384.1).

ClinVar aggregate classification (germline): Uncertain significance (1 of 4 stars; one submission).

Submission:

GeneDx
Classification: Uncertain significance. Last evaluated: 2026-04-09. Review status: criteria provided, single submitter. Criteria: GeneDx Variant Classification Process June 2021. Collection method: clinical testing. Allele origin: germline.
Comment: Not observed at significant frequency in large population cohorts (gnomAD); In silico analysis supports that this missense variant has a deleterious effect on protein structure/function; Has not been previously published as pathogenic or benign to our knowledge